The following is an entry in ClinVar:

NM_052947.4(ALPK2):c.326A>G (p.Glu109Gly)

Gene: ALPK2 (alpha kinase 2; minus strand). Cytogenetic location: 18q21.31.
Variant type: single nucleotide variant.
Coding change: c.326A>G on transcript NM_052947.4 (MANE Select); coding-DNA position 326, A replaced by G.
Protein change: p.Glu109Gly; replaces glutamic acid 109 with glycine.
Molecular consequence: missense variant.
Genome position (GRCh38, 1-based): chr18:58,580,450, T>C on the plus strand (A>G on the coding strand, the complement: ALPK2 is on the minus strand). VCF-style: chr18-58580450-T-C. GRCh37 (hg19) VCF-style: chr18-56247682-T-C.
Other names: short protein forms E109G.
Identifiers: ClinVar variation 1729596 (VCV001729596.2), dbSNP rs2518900388, ClinGen allele CA402568229.

ClinVar aggregate classification (germline): Uncertain significance (1 of 4 stars; one submission).

Submission:

Ambry Genetics
Classification: Uncertain significance. Last evaluated: 2022-04-24. Review status: criteria provided, single submitter. Criteria: Ambry Variant Classification Scheme 2023. Collection method: clinical testing. Allele origin: germline.
Comment: The p.E109G variant (also known as c.326A>G), located in coding exon 3 of the ALPK2 gene, results from an A to G substitution at nucleotide position 326. The glutamic acid at codon 109 is replaced by glycine, an amino acid with similar properties. This amino acid position is conserved. In addition, this alteration is predicted to be tolerated by in silico analysis. Since supporting evidence is limited at this time, the clinical significance of this alteration remains unclear.